The following is an entry in ClinVar:

ClinVar aggregate classification (germline): Pathogenic. Review status: criteria provided, multiple submitters, no conflicts (2 of 4 stars). 3 submissions from 3 submitters: Pathogenic (3). Last evaluated 2024-06-07.

Conditions:
Mucopolysaccharidosis, MPS-II (MPS2). Also called: Sulfoiduronate sulfatase deficiency; SIDS deficiency; Mucopolysaccharidosis type 2; Mucopolysaccharidosis with skin involvement; IDS deficiency; IDURONATE 2-SULFATASE DEFICIENCY. Identifiers: Orphanet 580, Orphanet 79388, MedGen C0026705, MONDO:0010674, OMIM 309900.

Submissions (3):

Laboratory of Diagnosis and Therapy of Lysosomal Disorders, University of Padova
Classification: Pathogenic for Mucopolysaccharidosis, MPS-II. Last evaluated: 2024-06-07. Review status: criteria provided, single submitter. Criteria: ACMG Guidelines, 2015. Collection method: literature only. Allele origin: germline. Affected: yes. Observed: 7 variant alleles.
Comment: Null variant (PVS1_VeryStrong), Prevalence of the variant significantly increased in affected individuals compared with controls (PS4_Supporting), Absent from controls (or at low frequency) in gnomAD database (PM2_Moderate), Patient’s phenotype or family history highly specific for the disease (PP4_Strong)

Classification method: ACMG Guidelines [PMID:25741868] with modifications

Mendelics
Classification: Pathogenic for Mucopolysaccharidosis, MPS-II. Last evaluated: 2022-05-04. Review status: criteria provided, single submitter. Criteria: Mendelics Assertion Criteria 2019. Collection method: clinical testing. Allele origin: germline.

Labcorp Genetics (formerly Invitae), Labcorp
Classification: Pathogenic for Mucopolysaccharidosis, MPS-II. Last evaluated: 2020-10-31. Review status: criteria provided, single submitter. Criteria: Invitae Variant Classification Sherloc (09022015). Collection method: clinical testing. Allele origin: germline.
Comment: This sequence change affects a donor splice site in intron 4 of the IDS gene. It is expected to disrupt RNA splicing and likely results in an absent or disrupted protein product. For these reasons, this variant has been classified as Pathogenic. Donor and acceptor splice site variants typically lead to a loss of protein function (PMID: 16199547), and loss-of-function variants in IDS are known to be pathogenic (PMID: 8940265, 9875019). Algorithms developed to predict the effect of sequence changes on RNA splicing suggest that this variant may disrupt the consensus splice site, but this prediction has not been confirmed by published transcriptional studies. This variant has been observed in individuals with mucopolysaccharidosis type II (PMID: 9921913, 27351199). This variant is also known as c.631+1G>A in the literature. This variant is not present in population databases (ExAC no frequency).

Literature cited by the submitters: PubMed 27351199 (cited by Laboratory of Diagnosis and Therapy of Lysosomal Disorders, University of Padova and Labcorp Genetics (formerly Invitae), Labcorp); PubMed 9921913 (cited by Laboratory of Diagnosis and Therapy of Lysosomal Disorders, University of Padova and Labcorp Genetics (formerly Invitae), Labcorp); PubMed 19046346 (cited by Laboratory of Diagnosis and Therapy of Lysosomal Disorders, University of Padova); PubMed 33676511 (cited by Laboratory of Diagnosis and Therapy of Lysosomal Disorders, University of Padova); PubMed 36713083 (cited by Laboratory of Diagnosis and Therapy of Lysosomal Disorders, University of Padova); PubMed 36945845 (cited by Laboratory of Diagnosis and Therapy of Lysosomal Disorders, University of Padova); PubMed 16199547 (cited by Labcorp Genetics (formerly Invitae), Labcorp); PubMed 8940265 (cited by Labcorp Genetics (formerly Invitae), Labcorp); PubMed 9875019 (cited by Labcorp Genetics (formerly Invitae), Labcorp).

NM_000202.8(IDS):c.507+1G>A

Genes: IDS (iduronate 2-sulfatase; minus strand), LOC106050102 (IDS recombination region; plus strand). Cytogenetic location: Xq28.
Variant type: single nucleotide variant.
Coding change: c.507+1G>A on transcript NM_000202.8 (MANE Select); the canonical splice donor site of the intron after coding-DNA position 507, G replaced by A.
Molecular consequence: splice donor variant.
Genome position (GRCh38, 1-based): chrX:149,500,948, C>T on the plus strand (G>A on the coding strand, the complement: IDS is on the minus strand). VCF-style: chrX-149500948-C-T. GRCh37 (hg19) VCF-style: chrX-148582479-C-T.
Other names: c.237+1G>A (NM_001166550.4); c.507+1G>A (NM_006123.5).
Identifiers: ClinVar variation 1072737 (VCV001072737.12), dbSNP rs2124055167, ClinGen allele CA414522893.